The following is an entry in ClinVar:

NM_153026.3(PRICKLE1):c.1031A>G (p.Asp344Gly)

Genes: PRICKLE1 (prickle planar cell polarity protein 1; minus strand), LOC126861509 (BRD4-independent group 4 enhancer GRCh37_chr12:42858567-42859766; plus strand). Cytogenetic location: 12q12.
Variant type: single nucleotide variant.
Coding change: c.1031A>G on transcript NM_153026.3 (MANE Select); coding-DNA position 1031, A replaced by G.
Protein change: p.Asp344Gly; replaces aspartic acid 344 with glycine.
Molecular consequence: missense variant.
Genome position (GRCh38, 1-based): chr12:42,465,003, T>C on the plus strand (A>G on the coding strand, the complement: PRICKLE1 is on the minus strand). VCF-style: chr12-42465003-T-C. GRCh37 (hg19) VCF-style: chr12-42858805-T-C.
Other names: c.1031A>G, p.Asp344Gly (NM_001144881.2, NM_001144882.2, NM_001144883.2); short protein forms D344G.
Identifiers: ClinVar variation 1771210 (VCV001771210.2), dbSNP rs2503418172, ClinGen allele CA384442619.

ClinVar aggregate classification (germline): Uncertain significance (1 of 4 stars; one submission).

Submission:

Ambry Genetics
Classification: Uncertain significance. Last evaluated: 2017-06-05. Review status: criteria provided, single submitter. Criteria: Ambry Variant Classification Scheme 2023. Collection method: clinical testing. Allele origin: germline.
Comment: The p.D344G variant (also known as c.1031A>G), located in coding exon 6 of the PRICKLE1 gene, results from an A to G substitution at nucleotide position 1031. The aspartic acid at codon 344 is replaced by glycine, an amino acid with similar properties. This amino acid position is well conserved in available vertebrate species; however, glutamic acid is the reference amino acid in other vertebrate species. In addition, this alteration is predicted to be tolerated by in silico analysis. Since supporting evidence is limited at this time, the clinical significance of this alteration remains unclear.